The following is an entry in ClinVar:

ClinVar aggregate classification (germline): Conflicting classifications of pathogenicity. Review status: criteria provided, conflicting classifications (1 of 4 stars). 3 submissions from 3 submitters: Uncertain significance (1); Benign (1); Likely benign (1). Last evaluated 2025-06-14.

Conditions:
Hereditary cancer-predisposing syndrome. Also called: Hereditary neoplastic syndrome; Neoplastic Syndromes, Hereditary; Tumor predisposition; Hereditary Cancer Syndrome. Identifiers: Orphanet 140162, MedGen C0027672, MeSH D009386, MONDO:0015356.
Tuberous sclerosis 2 (TSC2). Identifiers: Orphanet 805, MedGen C1860707, MONDO:0013199, OMIM 613254.

Allele frequency attached by ClinVar (database versions not stated): gnomAD exomes 0.00001.
gnomAD v4.1: 4 of 1,614,102 alleles (0.00025%); highest among the groups gnomAD compares: South Asian, 0.0022%; no homozygotes.

Submissions (3):

Labcorp Genetics (formerly Invitae), Labcorp
Classification: Benign for Tuberous sclerosis 2. Last evaluated: 2025-06-14. Review status: criteria provided, single submitter. Criteria: Invitae Variant Classification Sherloc (09022015). Collection method: clinical testing. Allele origin: germline.

Ambry Genetics
Classification: Uncertain significance for Hereditary cancer-predisposing syndrome. Last evaluated: 2024-11-19. Review status: criteria provided, single submitter. Criteria: Ambry Variant Classification Scheme 2023. Collection method: clinical testing. Allele origin: germline.
Comment: The p.E332K variant (also known as c.994G>A), located in coding exon 10 of the TSC2 gene, results from a G to A substitution at nucleotide position 994. The glutamic acid at codon 332 is replaced by lysine, an amino acid with similar properties. This amino acid position is well conserved in available vertebrate species. In addition, the in silico prediction for this alteration is inconclusive. Based on the available evidence, the clinical significance of this variant remains unclear.

Myriad Genetics, Inc.
Classification: Likely benign for Tuberous sclerosis 2. Last evaluated: 2024-08-27. Review status: criteria provided, single submitter. Criteria: Myriad Autosomal Dominant, Autosomal Recessive and X-Linked Classification Criteria (2023). Collection method: clinical testing. Allele origin: unknown.
Comment: This variant is considered likely benign. This variant has been observed at a population frequency that is significantly greater than expected given the associated disease prevalence and penetrance.

NM_000548.5(TSC2):c.994G>A (p.Glu332Lys)

Gene: TSC2 (TSC complex subunit 2; plus strand). Cytogenetic location: 16p13.3.
Variant type: single nucleotide variant.
Coding change: c.994G>A on transcript NM_000548.5 (MANE Select); coding-DNA position 994, G replaced by A.
Protein change: p.Glu332Lys; replaces glutamic acid 332 with lysine.
Molecular consequence: missense variant.
Genome position (GRCh38, 1-based): chr16:2,060,688, G>A. VCF-style: chr16-2060688-G-A. GRCh37 (hg19) VCF-style: chr16-2110689-G-A.
Other names: c.994G>A, p.Glu332Lys (NM_001077183.3, NM_001114382.3, NM_001363528.2 and 3 more transcripts); c.883G>A, p.Glu295Lys (NM_001318827.2); c.847G>A, p.Glu283Lys (NM_001318829.2); c.394G>A, p.Glu132Lys (NM_001318831.2); c.1027G>A, p.Glu343Lys (NM_001318832.2); short protein forms E332K, E343K, E283K, E132K, E295K.
Identifiers: ClinVar variation 468197 (VCV000468197.14), dbSNP rs911600402, ClinGen allele CA276776600.